The following is an entry in ClinVar:

NM_182914.3(SYNE2):c.1618C>A (p.Gln540Lys)

Gene: SYNE2 (spectrin repeat containing nuclear envelope protein 2; plus strand). Cytogenetic location: 14q23.2.
Variant type: single nucleotide variant.
Coding change: c.1618C>A on transcript NM_182914.3 (MANE Select); coding-DNA position 1618, C replaced by A.
Protein change: p.Gln540Lys; replaces glutamine 540 with lysine.
Molecular consequence: missense variant.
Genome position (GRCh38, 1-based): chr14:63,980,702, C>A. VCF-style: chr14-63980702-C-A. GRCh37 (hg19) VCF-style: chr14-64447420-C-A.
Other names: c.1618C>A, p.Gln540Lys (NM_015180.6); c.1618C>A (NM_182914.2); short protein forms Q540K.
Identifiers: ClinVar variation 1400873 (VCV001400873.9), dbSNP rs768004294, ClinGen allele CA7219477.

ClinVar aggregate classification (germline): Uncertain significance. Review status: criteria provided, multiple submitters, no conflicts (2 of 4 stars). 2 submissions from 2 submitters: Uncertain significance (2). Last evaluated 2025-06-17.

Conditions:
Emery-Dreifuss muscular dystrophy 5, autosomal dominant (EDMD5). Also called: EMERY-DREIFUSS MUSCULAR DYSTROPHY 5. Identifiers: Orphanet 261, MedGen C2751805, MONDO:0013072, OMIM 612999.

Allele frequency attached by ClinVar (database versions not stated): gnomAD 0.00001; TOPMed 0.00001; gnomAD exomes 0.00002 and 0.00006; ExAC 0.00008.
gnomAD v4.1: 32 of 1,606,684 alleles (0.002%); highest among the groups gnomAD compares: South Asian, 0.031%; no homozygotes.

Submissions (2):

Ambry Genetics
Classification: Uncertain significance. Last evaluated: 2025-06-17. Review status: criteria provided, single submitter. Criteria: Ambry Variant Classification Scheme 2023. Collection method: clinical testing. Allele origin: germline.

Labcorp Genetics (formerly Invitae), Labcorp
Classification: Uncertain significance for Emery-Dreifuss muscular dystrophy 5, autosomal dominant. Last evaluated: 2024-05-07. Review status: criteria provided, single submitter. Criteria: Invitae Variant Classification Sherloc (09022015). Collection method: clinical testing. Allele origin: germline.
Comment: This sequence change replaces glutamine, which is neutral and polar, with lysine, which is basic and polar, at codon 540 of the SYNE2 protein (p.Gln540Lys). This variant is present in population databases (rs768004294, gnomAD 0.05%), and has an allele count higher than expected for a pathogenic variant. This variant has not been reported in the literature in individuals affected with SYNE2-related conditions. ClinVar contains an entry for this variant (Variation ID: 1400873). Algorithms developed to predict the effect of missense changes on protein structure and function output the following: SIFT: "Not Available"; PolyPhen-2: "Probably Damaging"; Align-GVGD: "Not Available". The lysine amino acid residue is found in multiple mammalian species, which suggests that this missense change does not adversely affect protein function. In summary, the available evidence is currently insufficient to determine the role of this variant in disease. Therefore, it has been classified as a Variant of Uncertain Significance.